The following is an entry in ClinVar:

ClinVar aggregate classification (germline): Uncertain significance (1 of 4 stars; one submission).

Conditions:
Familial cancer of breast. Also called: hereditary breast carcinoma; BREAST CANCER, FAMILIAL; Hereditary breast cancer. Identifiers: Orphanet 227535, MedGen C0346153, MONDO:0016419, OMIM 114480. Disease mechanism: loss of function.

Submission:

Labcorp Genetics (formerly Invitae), Labcorp
Classification: Uncertain significance for Familial cancer of breast. Last evaluated: 2021-12-06. Review status: criteria provided, single submitter. Criteria: Invitae Variant Classification Sherloc (09022015). Collection method: clinical testing. Allele origin: germline.
Comment: In summary, the available evidence is currently insufficient to determine the role of this variant in disease. Therefore, it has been classified as a Variant of Uncertain Significance. Algorithms developed to predict the effect of missense changes on protein structure and function are either unavailable or do not agree on the potential impact of this missense change (SIFT: "Tolerated"; PolyPhen-2: "Probably Damaging"; Align-GVGD: "Class C0"). This variant has not been reported in the literature in individuals affected with PALB2-related conditions. This variant is not present in population databases (gnomAD no frequency). This sequence change replaces serine, which is neutral and polar, with proline, which is neutral and non-polar, at codon 869 of the PALB2 protein (p.Ser869Pro).

NM_024675.4(PALB2):c.2605T>C (p.Ser869Pro)

Gene: PALB2 (partner and localizer of BRCA2; minus strand). Cytogenetic location: 16p12.2.
Variant type: single nucleotide variant.
Coding change: c.2605T>C on transcript NM_024675.4 (MANE Select); coding-DNA position 2605, T replaced by C.
Protein change: p.Ser869Pro; replaces serine 869 with proline.
Molecular consequence: missense variant.
Genome position (GRCh38, 1-based): chr16:23,626,379, A>G on the plus strand (T>C on the coding strand, the complement: PALB2 is on the minus strand). VCF-style: chr16-23626379-A-G. GRCh37 (hg19) VCF-style: chr16-23637700-A-G.
Other names: short protein forms S869P.
Identifiers: ClinVar variation 1396415 (VCV001396415.7), dbSNP rs2142356352, ClinGen allele CA395122227.
Genomic context (GRCh38, chr16:23,626,379, plus strand): 5'-TTATGATACATGGCTCTTTACAACCGGCTCTTTCCCAAAACATGGCACTCACATCTACGG[A>G]ACAGGAACCTGAAGGATTCTGACACAATGGCAACAGTTCTGTTAAAGTGGCACTCGAGTG-3'
Protein context (NP_078951.2, residues 859-879): SELKNPSGSC[Ser869Pro]VDVSAMFWER